The following is an entry in ClinVar:

ClinVar aggregate classification (germline): Uncertain significance (1 of 4 stars; one submission).

Conditions:
Diffuse cerebral and cerebellar atrophy - intractable seizures - progressive microcephaly syndrome. Also called: Microcephaly, progressive, with seizures and cerebral and cerebellar atrophy. Identifiers: Orphanet 404437, MedGen C4014239, MONDO:0014335, OMIM 615760.

Allele frequency attached by ClinVar (database versions not stated): gnomAD exomes 0.00001.
gnomAD v4.1: 2 of 1,607,230 alleles (0.00012%); no homozygotes.

Submission:

Labcorp Genetics (formerly Invitae), Labcorp
Classification: Uncertain significance for Diffuse cerebral and cerebellar atrophy - intractable seizures - progressive microcephaly syndrome. Last evaluated: 2025-07-07. Review status: criteria provided, single submitter. Criteria: Invitae Variant Classification Sherloc (09022015). Collection method: clinical testing. Allele origin: germline.
Comment: This sequence change replaces serine, which is neutral and polar, with arginine, which is basic and polar, at codon 30 of the QARS protein (p.Ser30Arg). The frequency data for this variant in the population databases is considered unreliable, as metrics indicate poor data quality at this position in the gnomAD database. This variant has not been reported in the literature in individuals affected with QARS-related conditions. ClinVar contains an entry for this variant (Variation ID: 954423). Invitae Evidence Modeling of protein sequence and biophysical properties (such as structural, functional, and spatial information, amino acid conservation, physicochemical variation, residue mobility, and thermodynamic stability) has been performed for this missense variant. However, the output from this modeling did not meet the statistical confidence thresholds required to predict the impact of this variant on QARS protein function. In summary, the available evidence is currently insufficient to determine the role of this variant in disease. Therefore, it has been classified as a Variant of Uncertain Significance.

NM_005051.3(QARS1):c.90C>A (p.Ser30Arg)

Genes: QARS1 (glutaminyl-tRNA synthetase 1; minus strand), LOC129936736 (ATAC-STARR-seq lymphoblastoid active region 19853; plus strand). Cytogenetic location: 3p21.31.
Variant type: single nucleotide variant.
Coding change: c.90C>A on transcript NM_005051.3 (MANE Select); coding-DNA position 90, C replaced by A.
Protein change: p.Ser30Arg; replaces serine 30 with arginine.
Molecular consequence: missense variant. On other transcripts: non-coding transcript variant (1).
Genome position (GRCh38, 1-based): chr3:49,104,644, G>T on the plus strand (C>A on the coding strand, the complement: QARS1 is on the minus strand). VCF-style: chr3-49104644-G-T. GRCh37 (hg19) VCF-style: chr3-49142077-G-T.
Other names: c.90C>A, p.Ser30Arg (NM_001272073.2); short protein forms S30R.
Identifiers: ClinVar variation 954423 (VCV000954423.7), dbSNP rs1221014964, ClinGen allele CA352723757.